The following is an entry in ClinVar:

ClinVar aggregate classification (germline): Uncertain significance. Review status: criteria provided, multiple submitters, no conflicts (2 of 4 stars). 4 submissions from 4 submitters: Uncertain significance (3). 1 of the submissions does not count toward it. Last evaluated 2025-12-16.

Conditions:
Familial Mediterranean fever (FMF). Also called: Periodic peritonitis; Benign paroxysmal peritonitis; POLYSEROSITIS, FAMILIAL PAROXYSMAL; POLYSEROSITIS, RECURRENT. Identifiers: Orphanet 342, MedGen C0031069, MONDO:0018088, OMIM 249100. Disease mechanism: gain of function.

Allele frequency attached by ClinVar (database versions not stated): gnomAD exomes 0.00001 and below 0.00001; gnomAD 0.00001; ExAC 0.00001; TOPMed 0.00002.
gnomAD v4.1: 6 of 1,613,816 alleles (0.00037%); highest among the groups gnomAD compares: South Asian, 0.0011%; no homozygotes.

Submissions (4):

GeneDx
Classification: Uncertain significance. Last evaluated: 2025-12-16. Review status: criteria provided, single submitter. Criteria: GeneDx Variant Classification Process June 2021. Collection method: clinical testing. Allele origin: germline.
Comment: In silico analysis suggests that this missense variant does not alter protein structure/function; In silico analysis suggests this variant may impact gene splicing. In the absence of RNA/functional studies, the actual effect of this sequence change is unknown.; Has not been previously published as pathogenic or benign to our knowledge; This variant is associated with the following publications: (PMID: 26043233)

Labcorp Genetics (formerly Invitae), Labcorp
Classification: Uncertain significance for Familial Mediterranean fever. Last evaluated: 2022-08-30. Review status: criteria provided, single submitter. Criteria: Invitae Variant Classification Sherloc (09022015). Collection method: clinical testing. Allele origin: germline.
Comment: This sequence change replaces alanine, which is neutral and non-polar, with valine, which is neutral and non-polar, at codon 595 of the MEFV protein (p.Ala595Val). This variant is present in population databases (rs104895191, gnomAD 0.003%). This variant has not been reported in the literature in individuals affected with MEFV-related conditions. ClinVar contains an entry for this variant (Variation ID: 97460). Algorithms developed to predict the effect of missense changes on protein structure and function are either unavailable or do not agree on the potential impact of this missense change (SIFT: "Deleterious"; PolyPhen-2: "Benign"; Align-GVGD: "Class C0"). Algorithms developed to predict the effect of sequence changes on RNA splicing suggest that this variant may create or strengthen a splice site. In summary, the available evidence is currently insufficient to determine the role of this variant in disease. Therefore, it has been classified as a Variant of Uncertain Significance.

Mendelics
Classification: Uncertain significance for Familial Mediterranean fever. Last evaluated: 2019-05-28. Review status: criteria provided, single submitter. Criteria: Mendelics Assertion Criteria 2017. Collection method: clinical testing. Allele origin: unknown.

Unité médicale des maladies autoinflammatoires, CHRU Montpellier
No classification provided. Condition: Familial Mediterranean fever. Review status: no classification provided. Collection method: not provided. Allele origin: unknown. Not counted in ClinVar's aggregate classification.

NM_000243.3(MEFV):c.1784C>T (p.Ala595Val)

Genes: MEFV (MEFV innate immunity regulator, pyrin; minus strand), LOC126862264 (CDK7 strongly-dependent group 2 enhancer GRCh37_chr16:3293322-3294521; plus strand). Cytogenetic location: 16p13.3.
Variant type: single nucleotide variant.
Coding change: c.1784C>T on transcript NM_000243.3 (MANE Select); coding-DNA position 1784, C replaced by T.
Protein change: p.Ala595Val; replaces alanine 595 with valine.
Molecular consequence: missense variant. On other transcripts: synonymous variant (1).
Genome position (GRCh38, 1-based): chr16:3,243,868, G>A on the plus strand (C>T on the coding strand, the complement: MEFV is on the minus strand). VCF-style: chr16-3243868-G-A. GRCh37 (hg19) VCF-style: chr16-3293868-G-A.
Other names: c.1784C>T (NM_000243.2); c.1326C>T, p.Gly442= (NM_001198536.2); short protein forms A595V.
Identifiers: ClinVar variation 97460 (VCV000097460.6), dbSNP rs104895191, ClinGen allele CA280442.
Genomic context (GRCh38, chr16:3,243,868, plus strand): 5'-GAGCACAGGGATCCAGCAGGCCAGGGCCACTTGCCTTGATCTGGGCACTTACCAGCATGT[G>A]CCTGAGCGCCAATCAGCTCCGGAACTACGGAGAAAAATCAGATAGGGAAAAAAATCCTGA-3'
Protein context (NP_000234.1, residues 585-605): FNVPELIGAQ[Ala595Val]HAVNVILDAE